The following is an entry in ClinVar:

NM_000260.4(MYO7A):c.5882T>A (p.Phe1961Tyr)

Gene: MYO7A (myosin VIIA; plus strand). Cytogenetic location: 11q13.5.
Variant type: single nucleotide variant.
Coding change: c.5882T>A on transcript NM_000260.4 (MANE Select); coding-DNA position 5882, T replaced by A.
Protein change: p.Phe1961Tyr; replaces phenylalanine 1961 with tyrosine.
Molecular consequence: missense variant.
Genome position (GRCh38, 1-based): chr11:77,208,455, T>A. VCF-style: chr11-77208455-T-A. GRCh37 (hg19) VCF-style: chr11-76919500-T-A.
Other names: c.5768T>A, p.Phe1923Tyr (NM_001127180.2); c.5735T>A, p.Phe1912Tyr (NM_001369365.1); short protein forms F1912Y, F1923Y, F1961Y.
Identifiers: ClinVar variation 2001981 (VCV002001981.4), dbSNP rs2135758154, ClinGen allele CA381932611.

ClinVar aggregate classification (germline): Uncertain significance (1 of 4 stars; one submission).

Allele frequency attached by ClinVar (database versions not stated): gnomAD exomes below 0.00001.
gnomAD v4.1: 1 of 1,613,618 alleles (0.000062%); highest among the groups gnomAD compares: Non-Finnish European, 0.000085%; no homozygotes.

Submission:

Labcorp Genetics (formerly Invitae), Labcorp
Classification: Uncertain significance. Last evaluated: 2024-01-11. Review status: criteria provided, single submitter. Criteria: Invitae Variant Classification Sherloc (09022015). Collection method: clinical testing. Allele origin: germline.
Comment: This sequence change replaces phenylalanine, which is neutral and non-polar, with tyrosine, which is neutral and polar, at codon 1961 of the MYO7A protein (p.Phe1961Tyr). This variant is not present in population databases (gnomAD no frequency). This variant has not been reported in the literature in individuals affected with MYO7A-related conditions. ClinVar contains an entry for this variant (Variation ID: 2001981). Advanced modeling of protein sequence and biophysical properties (such as structural, functional, and spatial information, amino acid conservation, physicochemical variation, residue mobility, and thermodynamic stability) performed at Invitae indicates that this missense variant is not expected to disrupt MYO7A protein function with a negative predictive value of 95%. In summary, the available evidence is currently insufficient to determine the role of this variant in disease. Therefore, it has been classified as a Variant of Uncertain Significance.